The following is an entry in ClinVar:

ClinVar aggregate classification (germline): Uncertain significance (1 of 4 stars; one submission).

Allele frequency attached by ClinVar (database versions not stated): gnomAD 0.00001; gnomAD exomes 0.00001 and 0.00004; TOPMed 0.00002; ExAC 0.00003.
gnomAD v4.1: 15 of 1,612,010 alleles (0.00093%); highest among the groups gnomAD compares: Admixed American, 0.013%; no homozygotes.

Submission:

Labcorp Genetics (formerly Invitae), Labcorp
Classification: Uncertain significance. Last evaluated: 2023-10-11. Review status: criteria provided, single submitter. Criteria: Invitae Variant Classification Sherloc (09022015). Collection method: clinical testing. Allele origin: germline.
Comment: This sequence change replaces alanine, which is neutral and non-polar, with valine, which is neutral and non-polar, at codon 1490 of the MYH7B protein (p.Ala1490Val). This variant is present in population databases (rs763069439, gnomAD 0.02%). This variant has not been reported in the literature in individuals affected with MYH7B-related conditions. ClinVar contains an entry for this variant (Variation ID: 1510074). Advanced modeling of protein sequence and biophysical properties (such as structural, functional, and spatial information, amino acid conservation, physicochemical variation, residue mobility, and thermodynamic stability) performed at Invitae indicates that this missense variant is not expected to disrupt MYH7B protein function. In summary, the available evidence is currently insufficient to determine the role of this variant in disease. Therefore, it has been classified as a Variant of Uncertain Significance.

NM_020884.7(MYH7B):c.4343C>T (p.Ala1448Val)

Gene: MYH7B (myosin heavy chain 7B; plus strand). Cytogenetic location: 20q11.22.
Variant type: single nucleotide variant.
Coding change: c.4343C>T on transcript NM_020884.7 (MANE Select); coding-DNA position 4343, C replaced by T.
Protein change: p.Ala1448Val; replaces alanine 1448 with valine.
Molecular consequence: missense variant.
Genome position (GRCh38, 1-based): chr20:34,999,208, C>T. VCF-style: chr20-34999208-C-T. GRCh37 (hg19) VCF-style: chr20-33587011-C-T.
Other names: short protein forms A1448V.
Identifiers: ClinVar variation 1510074 (VCV001510074.8), dbSNP rs763069439, ClinGen allele CA9828078.